The following is an entry in ClinVar:

NM_000548.5(TSC2):c.1884C>T (p.Arg628=)

Gene: TSC2 (TSC complex subunit 2; plus strand). Cytogenetic location: 16p13.3.
Variant type: single nucleotide variant.
Coding change: c.1884C>T on transcript NM_000548.5 (MANE Select); coding-DNA position 1884, C replaced by T.
Protein change: p.Arg628=; no amino-acid change (arginine 628 retained).
Molecular consequence: synonymous variant.
Genome position (GRCh38, 1-based): chr16:2,071,554, C>T. VCF-style: chr16-2071554-C-T. GRCh37 (hg19) VCF-style: chr16-2121555-C-T.
Other names: c.1884C>T, p.Arg628= (NM_001077183.3, NM_001114382.3, NM_001363528.2 and 3 more transcripts); c.1773C>T, p.Arg591= (NM_001318827.2); c.1737C>T, p.Arg579= (NM_001318829.2); c.1284C>T, p.Arg428= (NM_001318831.2); c.1917C>T, p.Arg639= (NM_001318832.2).
Identifiers: ClinVar variation 1134322 (VCV001134322.36), dbSNP rs1225653495, ClinGen allele CA492950320.

ClinVar aggregate classification (germline): Benign/Likely benign. Review status: criteria provided, multiple submitters, no conflicts (2 of 4 stars). 4 submissions from 4 submitters: Benign (1); Likely benign (3). Last evaluated 2025-06-22.

Conditions:
Tuberous sclerosis 2 (TSC2). Identifiers: Orphanet 805, MedGen C1860707, MONDO:0013199, OMIM 613254.
Hereditary cancer-predisposing syndrome. Also called: Tumor predisposition; Hereditary neoplastic syndrome; Hereditary Cancer Syndrome; Neoplastic Syndromes, Hereditary. Identifiers: Orphanet 140162, MedGen C0027672, MeSH D009386, MONDO:0015356.

Allele frequency attached by ClinVar (database versions not stated): gnomAD exomes below 0.00001.
gnomAD v4.1: 2 of 1,613,656 alleles (0.00012%); highest among the groups gnomAD compares: Non-Finnish European, 0.00017%; no homozygotes.

Submissions (4):

Labcorp Genetics (formerly Invitae), Labcorp
Classification: Likely benign for Tuberous sclerosis 2. Last evaluated: 2025-06-22. Review status: criteria provided, single submitter. Criteria: Invitae Variant Classification Sherloc (09022015). Collection method: clinical testing. Allele origin: germline.

Myriad Genetics, Inc.
Classification: Benign for Tuberous sclerosis 2. Last evaluated: 2025-05-16. Review status: criteria provided, single submitter. Criteria: Myriad Autosomal Dominant, Autosomal Recessive and X-Linked Classification Criteria (2023). Collection method: clinical testing. Allele origin: unknown.
Comment: This variant is considered benign. This variant is a silent/synonymous amino acid change and it is not expected to impact splicing.

CeGaT Center for Human Genetics Tuebingen
Classification: Likely benign. Last evaluated: 2022-08-01. Review status: criteria provided, single submitter. Criteria: CeGaT Center For Human Genetics Tuebingen Variant Classification Criteria Version 2. Collection method: clinical testing. Allele origin: germline. Affected: yes. Observed: 1 variant allele.
Comment: TSC2: BP4, BP7

Ambry Genetics
Classification: Likely benign for Hereditary cancer-predisposing syndrome. Last evaluated: 2020-01-06. Review status: criteria provided, single submitter. Criteria: Ambry Variant Classification Scheme 2023. Collection method: clinical testing. Allele origin: germline.